The following is an entry in ClinVar:

ClinVar aggregate classification (germline): Pathogenic. Review status: reviewed by expert panel (3 of 4 stars). 3 submissions from 3 submitters: Pathogenic (1). 2 of the submissions do not count toward it. Last evaluated 2016-10-18.

Conditions:
Hereditary breast ovarian cancer syndrome. Also called: Hereditary breast and ovarian cancer syndrome (HBOC); Breast and ovarian cancer; Hereditary breast and ovarian cancer syndrome; Hereditary breast and ovarian cancer; BRCA1- and BRCA2-Associated Hereditary Breast and Ovarian Cancer; Hereditary breast and/or ovarian cancer syndrome. Identifiers: Orphanet 145, MedGen C0677776, MeSH D061325, MONDO:0003582. Disease mechanism: loss of function.
Breast-ovarian cancer, familial, susceptibility to, 1 (BROVCA1). Also called: BRCA1 Hereditary Breast and Ovarian Cancer; OVARIAN CANCER, SUSCEPTIBILITY TO. Identifiers: Orphanet 145, MedGen C2676676, MONDO:0011450, OMIM 604370. Disease mechanism: loss of function.

Submissions (3):

Evidence-based Network for the Interpretation of Germline Mutant Alleles (ENIGMA)
Classification: Pathogenic for Breast-ovarian cancer, familial, susceptibility to, 1. Last evaluated: 2016-10-18. Review status: reviewed by expert panel. Criteria: ENIGMA BRCA1/2 Classification Criteria (2015). Collection method: curation. Allele origin: germline.
Comment: Variant allele predicted to encode a truncated non-functional protein.

National Health Laboratory Service, Universitas Academic Hospital and University of the Free State
Classification: Pathogenic for Hereditary breast ovarian cancer syndrome. Last evaluated: 2021-11-16. Review status: criteria provided, single submitter. Criteria: ACMG Guidelines, 2015. Collection method: clinical testing. Allele origin: germline. Affected: yes. Observed: 1 variant allele. Not counted in ClinVar's aggregate classification.

Consortium of Investigators of Modifiers of BRCA1/2 (CIMBA), c/o University of Cambridge
Classification: Pathogenic for Breast-ovarian cancer, familial, susceptibility to, 1. Last evaluated: 2015-10-02. Review status: criteria provided, single submitter. Criteria: CIMBA Mutation Classification guidelines May 2016. Collection method: clinical testing. Allele origin: germline. Not counted in ClinVar's aggregate classification.

Literature cited by the submitters: DOI 10.3389/fgene.2022.834265 (cited by National Health Laboratory Service, Universitas Academic Hospital and University of the Free State).

NM_007294.4(BRCA1):c.3947_3950del (p.Pro1315_Phe1316insTer)

Genes: BRCA1 (BRCA1 DNA repair associated; minus strand), LOC126862571 (BRD4-independent group 4 enhancer GRCh37_chr17:41243136-41244335; plus strand). Cytogenetic location: 17q21.31.
Variant type: Deletion.
Coding change: c.3947_3950del on transcript NM_007294.4 (MANE Select); coding-DNA positions 3947 to 3950, 4 bases deleted (TCTT; older notation c.3947_3950delTCTT).
Protein change: p.Pro1315_Phe1316insTer.
Molecular consequence: nonsense. On other transcripts: intron variant (135), frameshift variant (1).
Genome position (GRCh38, 1-based): chr17:43,091,581-43,091,584, AAGA deleted on the plus strand (TCTT on the coding strand, the reverse complement: BRCA1 is on the minus strand); deleting any 4 consecutive bases within chr17:43,091,581-43,091,587 gives the same sequence; the c. name uses the placement nearest the transcript's 3' end. VCF-style (leftmost placement, unchanged base first): chr17-43091580-CAAGA-C. GRCh37 (hg19) VCF-style: chr17-41243597-CAAGA-C.
Other names: 4066del4-ter1327; NP_009225.1:p.Phe1316Ter; c.524-552_524-549del (NM_001408498.1, NM_001408501.1, NM_001408500.1 and 3 more transcripts); c.647-552_647-549del (NM_001408467.1, NM_001408459.1, NM_001408455.1 and 11 more transcripts); c.584-552_584-549del (NM_001408475.1); c.710-552_710-549del (NM_001408412.1, NM_001408409.1, NM_001408414.1 and 2 more transcripts); c.452-552_452-549del (NM_001408509.1, NM_001408508.1); c.575-552_575-549del (NM_001408491.1, NM_001408493.1, NM_001408490.1); and 44 more.
Identifiers: ClinVar variation 266419 (VCV000266419.29), dbSNP rs886040177, ClinGen allele CA10589712.